The following is an entry in ClinVar:

ClinVar aggregate classification (germline): Conflicting classifications of pathogenicity. Review status: criteria provided, conflicting classifications (1 of 4 stars). 6 submissions from 6 submitters: Uncertain significance (5); Likely benign (1). Last evaluated 2025-12-06.

Conditions:
Hereditary breast ovarian cancer syndrome. Also called: Hereditary breast and ovarian cancer syndrome; Hereditary breast and ovarian cancer syndrome (HBOC); BRCA1- and BRCA2-Associated Hereditary Breast and Ovarian Cancer; Breast and ovarian cancer; Hereditary breast and ovarian cancer; Hereditary breast and/or ovarian cancer syndrome. Identifiers: Orphanet 145, MedGen C0677776, MeSH D061325, MONDO:0003582. Disease mechanism: loss of function.
Hereditary cancer-predisposing syndrome. Also called: Hereditary Cancer Syndrome; Hereditary neoplastic syndrome; Tumor predisposition; Neoplastic Syndromes, Hereditary. Identifiers: Orphanet 140162, MedGen C0027672, MeSH D009386, MONDO:0015356.
Breast-ovarian cancer, familial, susceptibility to, 1 (BROVCA1). Also called: OVARIAN CANCER, SUSCEPTIBILITY TO; BRCA1 Hereditary Breast and Ovarian Cancer. Identifiers: Orphanet 145, MedGen C2676676, MONDO:0011450, OMIM 604370. Disease mechanism: loss of function.
BRCA1-related cancer predisposition. Identifiers: MedGen CN377757, MONDO:0700268.

Allele frequency attached by ClinVar (database versions not stated): gnomAD exomes below 0.00001.
gnomAD v4.1: 1 of 1,613,946 alleles (0.000062%); highest among the groups gnomAD compares: African/African-American, 0.0013%; no homozygotes.

Submissions (6):

Labcorp Genetics (formerly Invitae), Labcorp
Classification: Uncertain significance for Hereditary breast ovarian cancer syndrome. Last evaluated: 2025-12-06. Review status: criteria provided, single submitter. Criteria: Invitae Variant Classification Sherloc (09022015). Collection method: clinical testing. Allele origin: germline.
Comment: This sequence change replaces glutamic acid, which is acidic and polar, with lysine, which is basic and polar, at codon 1033 of the BRCA1 protein (p.Glu1033Lys). This variant is not present in population databases (gnomAD no frequency). This variant has not been reported in the literature in individuals affected with BRCA1-related conditions. ClinVar contains an entry for this variant (Variation ID: 182152). Invitae Evidence Modeling of protein sequence and biophysical properties (such as structural, functional, and spatial information, amino acid conservation, physicochemical variation, residue mobility, and thermodynamic stability) indicates that this missense variant is not expected to disrupt BRCA1 protein function with a negative predictive value of 80%. In summary, the available evidence is currently insufficient to determine the role of this variant in disease. Therefore, it has been classified as a Variant of Uncertain Significance.

GeneDx
Classification: Uncertain significance. Last evaluated: 2024-09-16. Review status: criteria provided, single submitter. Criteria: GeneDx Variant Classification Process June 2021. Collection method: clinical testing. Allele origin: germline. Affected: yes.
Comment: Identified in individuals referred for multi-gene panel testing with personal or family history of cancer (PMID: 31853058); Not observed at significant frequency in large population cohorts (gnomAD); In silico analysis supports that this missense variant has a deleterious effect on protein structure/function; Also known as 3216G>A; This variant is associated with the following publications: (PMID: 15343273, 32377563, 29884841, 31853058)

All of Us Research Program, National Institutes of Health
Classification: Uncertain significance for BRCA1-related cancer predisposition. Last evaluated: 2024-05-14. Review status: criteria provided, single submitter. Criteria: ACMG Guidelines, 2015. Collection method: clinical testing. Allele origin: germline. Inheritance: Autosomal dominant inheritance. Observed: 2 variant alleles, 2 heterozygotes.
Comment: This missense variant replaces glutamic acid with lysine at codon 1033 of the BRCA1 protein. Computational prediction suggests that this variant may not impact protein structure and function (internally defined REVEL score threshold <= 0.5, PMID: 27666373). To our knowledge, functional studies have not been reported for this variant. This variant has not been reported in individuals affected with hereditary cancer in the literature. This variant has not been identified in the general population by the Genome Aggregation Database (gnomAD). The available evidence is insufficient to determine the role of this variant in disease conclusively. Therefore, this variant is classified as a Variant of Uncertain Significance.

This study involves interpretation of variants in research participants for the purpose of population health screening. Participant phenotype was not available at the time of variant classification. Additional details can be found in publication PMID: 35346344, PMCID: PMC8962531

Ambry Genetics
Classification: Uncertain significance for Hereditary cancer-predisposing syndrome. Last evaluated: 2024-02-28. Review status: criteria provided, single submitter. Criteria: Ambry Variant Classification Scheme 2023. Collection method: clinical testing. Allele origin: germline.
Comment: The p.E1033K variant (also known as c.3097G>A), located in coding exon 9 of the BRCA1 gene, results from a G to A substitution at nucleotide position 3097. The glutamic acid at codon 1033 is replaced by lysine, an amino acid with similar properties. This amino acid position is not well conserved in available vertebrate species. In addition, the in silico prediction for this alteration is inconclusive. Since supporting evidence is limited at this time, the clinical significance of this alteration remains unclear.

University of Washington Department of Laboratory Medicine, University of Washington
Classification: Likely benign for Hereditary cancer-predisposing syndrome. Last evaluated: 2023-03-23. Review status: criteria provided, single submitter. Criteria: Dines et al. (Genet Med. 2020). Collection method: curation. Allele origin: germline.
Comment: Missense variant in a coldspot region where missense variants are very unlikely to be pathogenic (PMID:31911673).

BRCA1 coldspot (exon 11 using historical exon numbering). Reclassification based on statistical prior probability

Division of Medical Genetics, University of Washington
Classification: Uncertain significance for Breast-ovarian cancer, familial, susceptibility to, 1. Last evaluated: 2019-06-03. Review status: criteria provided, single submitter. Criteria: ACMG Guidelines, 2015. Collection method: clinical testing. Allele origin: germline. Affected: no. Study: CSER_CHARM.
Comment: To our knowledge, this sequence variant has not been previously reported in the literature. This variant is not present in population databases. In silico analyses indicate this is an evolutionarily conserved residue. Thus, it is unknown at this time whether this variant increases cancer risk.

NM_007294.4(BRCA1):c.3097G>A (p.Glu1033Lys)

Gene: BRCA1 (BRCA1 DNA repair associated; minus strand). Cytogenetic location: 17q21.31.
Variant type: single nucleotide variant.
Coding change: c.3097G>A on transcript NM_007294.4 (MANE Select); coding-DNA position 3097, G replaced by A.
Protein change: p.Glu1033Lys; replaces glutamic acid 1033 with lysine.
Molecular consequence: missense variant. On other transcripts: intron variant (137).
Genome position (GRCh38, 1-based): chr17:43,092,434, C>T on the plus strand (G>A on the coding strand, the complement: BRCA1 is on the minus strand). VCF-style: chr17-43092434-C-T. GRCh37 (hg19) VCF-style: chr17-41244451-C-T.
Other names: p.E1033K:GAA>AAA; c.2974G>A, p.Glu992Lys (NM_001407677.1, NM_001407678.1, NM_001407679.1 and 19 more transcripts); c.3097G>A, p.Glu1033Lys (NM_001407684.1, NM_001407854.1, NM_001407858.1 and 30 more transcripts); c.2971G>A, p.Glu991Lys (NM_001407685.1, NM_001407686.1, NM_001407940.1 and 11 more transcripts); c.2956G>A, p.Glu986Lys (NM_001407697.1, NM_001407698.1, NM_001407724.1 and 29 more transcripts); c.2953G>A, p.Glu985Lys (NM_001407741.1, NM_001407742.1, NM_001407743.1 and 20 more transcripts); c.2884G>A, p.Glu962Lys (NM_001407853.1, NM_001407894.1, NM_001407895.1 and 9 more transcripts); c.2887G>A, p.Glu963Lys (NM_001407882.1, NM_001407884.1, NM_001407885.1 and 13 more transcripts); and 42 more; short protein forms E1033K, E986K, E1007K, E921K, E922K, E962K, E966K, E1006K.
Identifiers: ClinVar variation 182152 (VCV000182152.22), dbSNP rs273899698, ClinGen allele CA002028.